The following is an entry in ClinVar:

ClinVar aggregate classification (germline): Benign/Likely benign. Review status: criteria provided, multiple submitters, no conflicts (2 of 4 stars). 11 submissions from 7 submitters: Benign (10); Likely benign (1). Last evaluated 2026-02-04.

Conditions:
Hypokalemic periodic paralysis, type 2 (HOKPP2). Identifiers: Orphanet 681, MedGen C2750061, MONDO:0013234, OMIM 613345.
Hyperkalemic periodic paralysis. Also called: Gamstorp disease; Familial hyperkalemic periodic paralysis. Identifiers: Orphanet 682, MedGen C0238357, MONDO:0008224, OMIM 170500, HP:0007215.
Potassium-aggravated myotonia. Also called: MYOTONIA CONGENITA, ACETAZOLAMIDE-RESPONSIVE; MYOTONIA CONGENITA, ATYPICAL; SODIUM CHANNEL MUSCLE DISEASE; Myotonia congenita, atypical, acetazolamide-responsive. Identifiers: Orphanet 612, Orphanet 99734, Orphanet 99735, Orphanet 99736, MedGen C2931826, MONDO:0018959, OMIM 608390.
Congenital myasthenic syndrome 16. Identifiers: Orphanet 590, MedGen C3280112, MONDO:0013620, OMIM 614198.
Paramyotonia congenita of Von Eulenburg. Also called: Eulenburg disease; Myotonia congenita intermittens; Von Eulenburg paramyotonia congenita; PARALYSIS PERIODICA PARAMYOTONICA; Paramyotonia Congenita. Identifiers: Orphanet 684, MedGen C0221055, MONDO:0008195, OMIM 168300. Disease mechanism: loss of function.

Allele frequency attached by ClinVar (database versions not stated): 1000 Genomes Project 30x 0.24719; 1000 Genomes Project 0.25439; gnomAD 0.27099 and 0.26769; ESP Exome Variant Server 0.26365; TOPMed 0.26715; ExAC 0.31555.

Submissions (11):

Labcorp Genetics (formerly Invitae), Labcorp
Classification: Benign for Hyperkalemic periodic paralysis. Last evaluated: 2026-02-04. Review status: criteria provided, single submitter. Criteria: Invitae Variant Classification Sherloc (09022015). Collection method: clinical testing. Allele origin: germline.

Blueprint Genetics
Classification: Likely benign. Last evaluated: 2024-11-28. Review status: criteria provided, single submitter. Criteria: ACMG Guidelines, 2015. Collection method: clinical testing. Allele origin: germline.

Illumina Laboratory Services, Illumina
Classification: Benign for Paramyotonia congenita of Von Eulenburg. Last evaluated: 2018-01-12. Review status: criteria provided, single submitter. Criteria: ICSL Variant Classification Criteria 13 December 2019. Collection method: clinical testing. Allele origin: germline.
Comment: This variant was observed in the ICSL laboratory as part of a predisposition screen in an ostensibly healthy population. It had not been previously curated by ICSL or reported in the Human Gene Mutation Database (HGMD: prior to June 1st, 2018), and was therefore a candidate for classification through an automated scoring system. Utilizing variant allele frequency, disease prevalence and penetrance estimates, and inheritance mode, an automated score was calculated to assess if this variant is too frequent to cause the disease. Based on the score and internal cut-off values, a variant classified as benign is not then subjected to further curation. The score for this variant resulted in a classification of benign for this disease.

Illumina Laboratory Services, Illumina
Classification: Benign for Hyperkalemic periodic paralysis. Last evaluated: 2018-01-12. Review status: criteria provided, single submitter. Criteria: ICSL Variant Classification Criteria 13 December 2019. Collection method: clinical testing. Allele origin: germline.
Comment: the same text as in the submission from Illumina Laboratory Services, Illumina above.

Illumina Laboratory Services, Illumina
Classification: Benign for Hypokalemic periodic paralysis, type 2. Last evaluated: 2018-01-12. Review status: criteria provided, single submitter. Criteria: ICSL Variant Classification Criteria 13 December 2019. Collection method: clinical testing. Allele origin: germline.
Comment: the same text as in the submission from Illumina Laboratory Services, Illumina above.

Illumina Laboratory Services, Illumina
Classification: Benign for Potassium-aggravated myotonia. Last evaluated: 2018-01-12. Review status: criteria provided, single submitter. Criteria: ICSL Variant Classification Criteria 13 December 2019. Collection method: clinical testing. Allele origin: germline.
Comment: the same text as in the submission from Illumina Laboratory Services, Illumina above.

Illumina Laboratory Services, Illumina
Classification: Benign for Congenital myasthenic syndrome 16. Last evaluated: 2018-01-12. Review status: criteria provided, single submitter. Criteria: ICSL Variant Classification Criteria 13 December 2019. Collection method: clinical testing. Allele origin: germline.
Comment: the same text as in the submission from Illumina Laboratory Services, Illumina above.

GeneDx
Classification: Benign. Last evaluated: 2016-01-05. Review status: criteria provided, single submitter. Criteria: GeneDx Variant Classification (06012015). Collection method: clinical testing. Allele origin: germline. Affected: yes.
Comment: This variant is considered likely benign or benign based on one or more of the following criteria: it is a conservative change, it occurs at a poorly conserved position in the protein, it is predicted to be benign by multiple in silico algorithms, and/or has population frequency not consistent with disease.

Eurofins Ntd Llc (ga)
Classification: Benign. Last evaluated: 2014-04-02. Review status: criteria provided, single submitter. Criteria: EGL Classification Definitions 2015. Collection method: clinical testing. Allele origin: germline. Observed: 1 variant allele, 1 homozygote.

Breakthrough Genomics
Classification: Benign. Review status: criteria provided, single submitter. Criteria: ACMG Guidelines, 2015. Collection method: not provided. Allele origin: germline. Inheritance: Autosomal recessive inheritance. Affected: yes.

PreventionGenetics, part of Exact Sciences
Classification: Benign. Review status: criteria provided, single submitter. Criteria: ACMG Guidelines, 2015. Collection method: clinical testing. Allele origin: germline.

NM_000334.4(SCN4A):c.3318+12C>A

Genes: GH-LCR (growth hormone locus control region; plus strand), SCN4A (sodium voltage-gated channel alpha subunit 4; minus strand). Cytogenetic location: 17q23.3.
Variant type: single nucleotide variant.
Coding change: c.3318+12C>A on transcript NM_000334.4 (MANE Select); 12 bases into the intron after coding-DNA position 3318, C replaced by A.
Molecular consequence: intron variant.
Genome position (GRCh38, 1-based): chr17:63,947,878, G>T on the plus strand (C>A on the coding strand, the complement: SCN4A is on the minus strand). VCF-style: chr17-63947878-G-T. GRCh37 (hg19) VCF-style: chr17-62025238-G-T.
Identifiers: ClinVar variation 167652 (VCV000167652.20), dbSNP rs13341114, ClinGen allele CA180414.
Genomic context (GRCh38, chr17:63,947,878, plus strand): 5'-TGGGCTTCCTGAGGTCCCCGCCACACTGACAGCCTCTGGATGTAGCTACGGGGCCAGCGT[G>T]GGGGGACTCACATCCACGATGAGGAAGTCGAGCCAGCACCAGGCGTTGGTGAAGTACACC-3'